The following is an entry in ClinVar:

NM_201384.3(PLEC):c.8396G>A (p.Arg2799Gln)

Gene: PLEC (plectin; minus strand). Cytogenetic location: 8q24.3.
Variant type: single nucleotide variant.
Coding change: c.8396G>A on transcript NM_201384.3 (MANE Select); coding-DNA position 8396, G replaced by A.
Protein change: p.Arg2799Gln; replaces arginine 2799 with glutamine.
Molecular consequence: missense variant.
Genome position (GRCh38, 1-based): chr8:143,921,425, C>T on the plus strand (G>A on the coding strand, the complement: PLEC is on the minus strand). VCF-style: chr8-143921425-C-T. GRCh37 (hg19) VCF-style: chr8-144995593-C-T.
Other names: c.8477G>A, p.Arg2826Gln (NM_000445.5); c.8354G>A, p.Arg2785Gln (NM_201378.4); c.8330G>A, p.Arg2777Gln (NM_201379.3); c.8807G>A, p.Arg2936Gln (NM_201380.4); c.8300G>A, p.Arg2767Gln (NM_201381.3); c.8396G>A, p.Arg2799Gln (NM_201382.4); c.8408G>A, p.Arg2803Gln (NM_201383.3); c.8477G>A (NM_000445.4); short protein forms R2767Q, R2799Q, R2936Q, R2785Q, R2777Q, R2803Q, R2826Q.
Identifiers: ClinVar variation 1041226 (VCV001041226.6), dbSNP rs202133859, ClinGen allele CA4925331.

ClinVar aggregate classification (germline): Uncertain significance. Review status: criteria provided, multiple submitters, no conflicts (2 of 4 stars). 2 submissions from 2 submitters: Uncertain significance (2). Last evaluated 2026-03-22.

Conditions:
PLEC-related disorder. Also called: PLEC-related disorders; PLEC-related condition.
Epidermolysis bullosa simplex 5B, with muscular dystrophy (EBS5B). Also called: Epidermolysis bullosa simplex with muscular dystrophy; EPIDERMOLYSIS BULLOSA SIMPLEX AND LIMB-GIRDLE MUSCULAR DYSTROPHY. Identifiers: Orphanet 257, MedGen C2931072, MONDO:0009181, OMIM 226670.
Epidermolysis bullosa simplex with nail dystrophy (EBS5D). Identifiers: MedGen C4225309, MONDO:0014661, OMIM 616487.
Epidermolysis bullosa simplex 5C, with pyloric atresia (EBS5C). Also called: PLEC-Related Epidermolysis Bullosa with Pyloric Atresia; Epidermolysis bullosa simplex with pyloric atresia; PLEC1-Related Epidermolysis Bullosa with Pyloric Atresia. Identifiers: Orphanet 158684, MedGen C2677349, MONDO:0012807, OMIM 612138.
Epidermolysis bullosa simplex, Ogna type (EBS5A). Also called: Pidermolysis bullosa simplex 5A, Ogna type; EPIDERMOLYSIS BULLOSA SIMPLEX 5A, OGNA TYPE. Identifiers: Orphanet 79401, MedGen C0432317, MONDO:0007555, OMIM 131950.
Autosomal recessive limb-girdle muscular dystrophy type 2Q (LGMDR17). Also called: MUSCULAR DYSTROPHY, LIMB-GIRDLE, AUTOSOMAL RECESSIVE 17. Identifiers: Orphanet 254361, MedGen C3150989, MONDO:0013390, OMIM 613723.

Allele frequency attached by ClinVar (database versions not stated): gnomAD exomes 0.00002 and 0.00003; ExAC 0.00003; TOPMed 0.00003; gnomAD 0.00005; ESP Exome Variant Server 0.00008.

Submissions (2):

PreventionGenetics, part of Exact Sciences
Classification: Uncertain significance for PLEC-related condition. Last evaluated: 2026-03-22. Review status: criteria provided, single submitter. Criteria: ACMG Guidelines, 2015. Collection method: clinical testing. Allele origin: germline.
Comment: The PLEC c.8477G>A variant is predicted to result in the amino acid substitution p.Arg2826Gln. To our knowledge, this variant has not been reported in the literature. This variant is reported in 0.0083% of alleles in individuals of African descent in gnomAD. At this time, the clinical significance of this variant is uncertain due to the absence of conclusive functional and genetic evidence.

Labcorp Genetics (formerly Invitae), Labcorp
Classification: Uncertain significance for Autosomal recessive limb-girdle muscular dystrophy type 2Q; Epidermolysis bullosa simplex, Ogna type; Epidermolysis bullosa simplex with nail dystrophy; Epidermolysis bullosa simplex 5C, with pyloric atresia; Epidermolysis bullosa simplex 5B, with muscular dystrophy. Last evaluated: 2025-02-27. Review status: criteria provided, single submitter. Criteria: Invitae Variant Classification Sherloc (09022015). Collection method: clinical testing. Allele origin: germline.
Comment: This sequence change replaces arginine, which is basic and polar, with glutamine, which is neutral and polar, at codon 2826 of the PLEC protein (p.Arg2826Gln). This variant is present in population databases (rs202133859, gnomAD 0.008%). This variant has not been reported in the literature in individuals affected with PLEC-related conditions. ClinVar contains an entry for this variant (Variation ID: 1041226). An algorithm developed to predict the effect of missense changes on protein structure and function (PolyPhen-2) suggests that this variant is likely to be tolerated. In summary, the available evidence is currently insufficient to determine the role of this variant in disease. Therefore, it has been classified as a Variant of Uncertain Significance.